The following is an entry in ClinVar:

ClinVar aggregate classification (germline): Uncertain significance (1 of 4 stars; one submission).

Conditions:
Inborn genetic diseases. Identifiers: MedGen C0950123, MeSH D030342.

Submission:

Ambry Genetics
Classification: Uncertain significance for Inborn genetic diseases. Last evaluated: 2024-06-15. Review status: criteria provided, single submitter. Criteria: Ambry Variant Classification Scheme 2023. Collection method: clinical testing. Allele origin: germline.
Comment: The p.T2223P variant (also known as c.6667A>C), located in coding exon 45 of the LRRK2 gene, results from an A to C substitution at nucleotide position 6667. The threonine at codon 2223 is replaced by proline, an amino acid with highly similar properties. This amino acid position is conserved. In addition, this alteration is predicted to be tolerated by in silico analysis. Based on the available evidence, the clinical significance of this variant remains unclear.

NM_198578.4(LRRK2):c.6667A>C (p.Thr2223Pro)

Gene: LRRK2 (leucine rich repeat kinase 2; plus strand). Cytogenetic location: 12q12.
Variant type: single nucleotide variant.
Coding change: c.6667A>C on transcript NM_198578.4 (MANE Select); coding-DNA position 6667, A replaced by C.
Protein change: p.Thr2223Pro; replaces threonine 2223 with proline.
Molecular consequence: missense variant.
Genome position (GRCh38, 1-based): chr12:40,354,389, A>C. VCF-style: chr12-40354389-A-C. GRCh37 (hg19) VCF-style: chr12-40748191-A-C.
Other names: short protein forms T2223P.
Identifiers: ClinVar variation 3292071 (VCV003292071.1).